The following is an entry in ClinVar:

ClinVar aggregate classification (germline): Uncertain significance. Review status: criteria provided, multiple submitters, no conflicts (2 of 4 stars). 2 submissions from 2 submitters: Uncertain significance (2). Last evaluated 2025-12-24.

Conditions:
Catecholaminergic polymorphic ventricular tachycardia 1. Also called: RYR2-Related Catecholaminergic Polymorphic Ventricular Tachycardia; VENTRICULAR TACHYCARDIA, CATECHOLAMINERGIC POLYMORPHIC, 1, WITH OR WITHOUT ATRIAL DYSFUNCTION AND/OR DILATED CARDIOMYOPATHY; VENTRICULAR TACHYCARDIA, STRESS-INDUCED POLYMORPHIC 1. Identifiers: Orphanet 3286, MedGen C1631597, MONDO:0011484, OMIM 604772.
Cardiovascular phenotype. Identifiers: MedGen CN230736.

Submissions (2):

Labcorp Genetics (formerly Invitae), Labcorp
Classification: Uncertain significance for Catecholaminergic polymorphic ventricular tachycardia 1. Last evaluated: 2025-12-24. Review status: criteria provided, single submitter. Criteria: Invitae Variant Classification Sherloc (09022015). Collection method: clinical testing. Allele origin: germline.
Comment: This sequence change falls in intron 30 of the RYR2 gene. It does not directly change the encoded amino acid sequence of the RYR2 protein. It affects a nucleotide within the consensus splice site. This variant is not present in population databases (gnomAD no frequency). This variant has not been reported in the literature in individuals affected with RYR2-related conditions. ClinVar contains an entry for this variant (Variation ID: 657324). Variants that disrupt the consensus splice site are a relatively common cause of aberrant splicing (PMID: 17576681, 9536098). Algorithms developed to predict the effect of sequence changes on RNA splicing suggest that this variant is not likely to affect RNA splicing. In summary, the available evidence is currently insufficient to determine the role of this variant in disease. Therefore, it has been classified as a Variant of Uncertain Significance.

Ambry Genetics
Classification: Uncertain significance for Cardiovascular phenotype. Last evaluated: 2023-03-20. Review status: criteria provided, single submitter. Criteria: Ambry Variant Classification Scheme 2023. Collection method: clinical testing. Allele origin: germline.
Comment: The c.3807+4T>A intronic variant results from a T to A substitution 4 nucleotides after coding exon 30 in the RYR2 gene. This nucleotide position is well conserved in available vertebrate species. In silico splice site analysis predicts that this alteration will not have any significant effect on splicing. Since supporting evidence is limited at this time, the clinical significance of this alteration remains unclear.

Literature cited by the submitters: PubMed 17576681 (cited by Labcorp Genetics (formerly Invitae), Labcorp); PubMed 9536098 (cited by Labcorp Genetics (formerly Invitae), Labcorp).

NM_001035.3(RYR2):c.3807+4T>A

Genes: RYR2 (ryanodine receptor 2; plus strand), LOC126806067 (BRD4-independent group 4 enhancer GRCh37_chr1:237753258-237754457; plus strand). Cytogenetic location: 1q43.
Variant type: single nucleotide variant.
Coding change: c.3807+4T>A on transcript NM_001035.3 (MANE Select); 4 bases into the intron after coding-DNA position 3807, T replaced by A.
Molecular consequence: intron variant.
Genome position (GRCh38, 1-based): chr1:237,590,005, T>A. VCF-style: chr1-237590005-T-A. GRCh37 (hg19) VCF-style: chr1-237753305-T-A.
Other names: c.3807+4T>A (LRG_402t1).
Identifiers: ClinVar variation 657324 (VCV000657324.6), dbSNP rs1572996258, ClinGen allele CA915942077.